The following is an entry in ClinVar:

ClinVar aggregate classification (germline): Likely benign. Review status: criteria provided, single submitter (1 of 4 stars). 2 submissions from 2 submitters: Likely benign (1). 1 of the submissions does not count toward it. Last evaluated 2026-01-01.

Conditions:
MYOM2-related disorder. Also called: MYOM2-related condition.

Allele frequency attached by ClinVar (database versions not stated): ESP Exome Variant Server 0.00046; TOPMed 0.00062; gnomAD 0.00095; ExAC 0.00096.
gnomAD v4.1: 1,310 of 1,614,082 alleles (0.081%); highest among the groups gnomAD compares: Non-Finnish European, 0.094%; 7 homozygotes.

Submissions (2):

CeGaT Center for Human Genetics Tuebingen
Classification: Likely benign. Last evaluated: 2026-01-01. Review status: criteria provided, single submitter. Criteria: CeGaT Center For Human Genetics Tuebingen Variant Classification Criteria Version 2. Collection method: clinical testing. Allele origin: germline. Affected: yes. Observed: 1 variant allele.
Comment: MYOM2: BS2

PreventionGenetics, part of Exact Sciences
Classification: Likely benign for MYOM2-related condition. Last evaluated: 2023-02-06. Review status: no assertion criteria provided. Collection method: clinical testing. Allele origin: germline. Not counted in ClinVar's aggregate classification.
Comment: This variant is classified as likely benign based on ACMG/AMP sequence variant interpretation guidelines (Richards et al. 2015 PMID: 25741868, with internal and published modifications).

NM_003970.4(MYOM2):c.2242G>A (p.Asp748Asn)

Gene: MYOM2 (myomesin 2; plus strand). Cytogenetic location: 8p23.3.
Variant type: single nucleotide variant.
Coding change: c.2242G>A on transcript NM_003970.4 (MANE Select); coding-DNA position 2242, G replaced by A.
Protein change: p.Asp748Asn; replaces aspartic acid 748 with asparagine.
Molecular consequence: missense variant.
Genome position (GRCh38, 1-based): chr8:2,096,363, G>A. VCF-style: chr8-2096363-G-A. GRCh37 (hg19) VCF-style: chr8-2044203-G-A.
Other names: short protein forms D748N.
Identifiers: ClinVar variation 3038376 (VCV003038376.6), dbSNP rs142047582, ClinGen allele CA170457185.
Genomic context (GRCh38, chr8:2,096,363, plus strand): 5'-ACCCTCGGCTGGAAGGTCCCGAAATTCAGTGGTGGCTCGCCCATCCTGGGCTACTACCTG[G>A]ACAAGCGTGAAGTTCACCATAAAAACTGGCACGAGGTCAATTCCTCACCCAGCAAACCGA-3'
Protein context (NP_003961.3, residues 738-758): GGSPILGYYL[Asp748Asn]KREVHHKNWH